The following is an entry in ClinVar:

NM_000059.4(BRCA2):c.9257-6271G>A

Gene: BRCA2 (BRCA2 DNA repair associated; plus strand). Cytogenetic location: 13q13.1.
Variant type: single nucleotide variant.
Coding change: c.9257-6271G>A on transcript NM_000059.4 (MANE Select); 6271 bases into the intron before coding-DNA position 9257, G replaced by A.
Molecular consequence: intron variant.
Genome position (GRCh38, 1-based): chr13:32,388,418, G>A. VCF-style: chr13-32388418-G-A. GRCh37 (hg19) VCF-style: chr13-32962555-G-A.
Identifiers: ClinVar variation 264983 (VCV000264983.1), dbSNP rs11571797, ClinGen allele CA10588168.
Genomic context (GRCh38, chr13:32,388,418, plus strand): 5'-TTCTGCTTGCCTCAGCATCACAAAGTGCTGGGATTATAGGCTTGAGCCACTATGCCCAGC[G>A]TGTCTTAGGATTTTTCAACTTTATAATGGTCTGAAAACAAAACATGAGTACCTTACAACT-3'

ClinVar aggregate classification (germline): Benign (3 of 4 stars; one submission).

Conditions:
Breast-ovarian cancer, familial, susceptibility to, 2 (BROVCA2). Also called: BRCA2 Hereditary Breast and Ovarian Cancer. Identifiers: Orphanet 145, MedGen C2675520, MONDO:0012933, OMIM 612555. Disease mechanism: loss of function.

Allele frequency attached by ClinVar (database versions not stated): gnomAD 0.00359 and 0.00389; 1000 Genomes Project 0.00379; 1000 Genomes Project 30x 0.00390; TOPMed 0.00393.
gnomAD v4.1: 537 of 152,188 alleles (0.35%); highest among the groups gnomAD compares: African/African-American, 1.3%; 3 homozygotes.

Submission:

Evidence-based Network for the Interpretation of Germline Mutant Alleles (ENIGMA)
Classification: Benign for Breast-ovarian cancer, familial, susceptibility to, 2. Last evaluated: 2016-09-28. Review status: reviewed by expert panel. Criteria: ENIGMA BRCA1/2 Classification Criteria (2015). Collection method: curation. Allele origin: germline.
Comment: Class 1 not pathogenic based on frequency >1% in an outbred sampleset. Frequency 0.0136 (African), derived from 1000 genomes (2013-05-02).